The following is an entry in ClinVar:

NM_000038.6(APC):c.-18-6158A>G

Gene: APC (APC regulator of WNT signaling pathway; plus strand). Cytogenetic location: 5q22.2.
Variant type: single nucleotide variant.
Coding change: c.-18-6158A>G on transcript NM_000038.6 (MANE Select); 6158 bases into the intron before 18 bases upstream of the start codon, A replaced by G.
Molecular consequence: intron variant.
Genome position (GRCh38, 1-based): chr5:112,748,715, A>G. VCF-style: chr5-112748715-A-G. GRCh37 (hg19) VCF-style: chr5-112084412-A-G.
Other names: c.-18-6158A>G (NM_001354895.2, NM_001127510.3, NM_001354896.2 and 2 more transcripts); c.166-17611A>G (NM_001354897.2, NM_001354902.2, NM_001127511.3); c.60+10255A>G (NM_001354898.2, NM_001354904.2); c.-1053-6158A>G (NM_001354906.2); c.-43+10790A>G (NM_001354900.2, NM_001354901.2, NM_001354905.2).
Identifiers: ClinVar variation 82353 (VCV000082353.2), dbSNP rs77761239, ClinGen allele CA006177.
Genomic context (GRCh38, chr5:112,748,715, plus strand): 5'-AGTTTGAGACCAGCCTGGCCAACAGGTAAAACCCCATCTCTGTAATCCCAGCTACTCGGG[A>G]GGCTGAGGGATGAGAATTGCTTGAACCTGGGAGGTTACAGTGAGCCCAGATCATGCCACT-3'

ClinVar aggregate classification (germline): other (0 of 4 stars; one submission).

Conditions:
Familial colorectal cancer. Identifiers: MedGen CN280943, MONDO:0023113. Disease mechanism: loss of function.

Submission:

Systems Biology Platform Zhejiang California International NanoSystems Institute
Classification: other for Familial colorectal cancer. Review status: no assertion criteria provided. Collection method: not provided. Allele origin: unknown.
ClinVar note: Converted during submission from cancer to other.